The following is an entry in ClinVar:

ClinVar aggregate classification (germline): Likely pathogenic (1 of 4 stars; one submission).

Conditions:
Dilated cardiomyopathy 1G (CMD1G). Identifiers: Orphanet 154, MedGen C1858763, MONDO:0011400, OMIM 604145.
Autosomal recessive limb-girdle muscular dystrophy type 2J (LGMDR10). Also called: Limb-girdle muscular dystrophy, type 2J; MUSCULAR DYSTROPHY, LIMB-GIRDLE, AUTOSOMAL RECESSIVE 10. Identifiers: Orphanet 140922, MedGen C1837342, MONDO:0012127, OMIM 608807.

Submission:

Labcorp Genetics (formerly Invitae), Labcorp
Classification: Likely pathogenic for Dilated cardiomyopathy 1G; Autosomal recessive limb-girdle muscular dystrophy type 2J. Last evaluated: 2024-08-10. Review status: criteria provided, single submitter. Criteria: Invitae Variant Classification Sherloc (09022015). Collection method: clinical testing. Allele origin: germline.
Comment: This sequence change creates a premature translational stop signal (p.Thr2760Glnfs*5) in the TTN gene. While this is not anticipated to result in nonsense mediated decay, it is expected to create a truncated TTN protein. This variant is not present in population databases (gnomAD no frequency). This variant has not been reported in the literature in individuals affected with TTN-related conditions. This variant is located in the I band of TTN (PMID: 25589632). Truncating variants in this region have been reported in individuals affected with autosomal recessive centronuclear myopathy (PMID: 23975875, Invitae internal data). Truncating variants in this region have also been identified in individuals affected with autosomal dominant dilated cardiomyopathy and/or cardio-related conditions (PMID: 27869827, 32964742, Invitae internal data). In summary, the currently available evidence indicates that the variant is pathogenic, but additional data are needed to prove that conclusively. Therefore, this variant has been classified as Likely Pathogenic.

Literature cited by the submitters: PubMed 25589632; PubMed 23975875; PubMed 27869827; PubMed 32964742.

NM_001267550.2(TTN):c.8278del (p.Thr2760fs)

Gene: TTN (titin; minus strand). Cytogenetic location: 2q31.2.
Variant type: Deletion.
Coding change: c.8278del on transcript NM_001267550.2 (MANE Select); coding-DNA position 8278, one base deleted (A; older notation c.8278delA).
Protein change: p.Thr2760fs; shifts the reading frame from threonine 2760.
Molecular consequence: frameshift variant.
Genome position (GRCh38, 1-based): chr2:178,770,514, T deleted on the plus strand (A on the coding strand, the reverse complement: TTN is on the minus strand); the first of 2 consecutive T bases (chr2:178,770,514-178,770,515); deleting either gives the same sequence. VCF-style (leftmost placement, unchanged base first): chr2-178770513-GT-G. GRCh37 (hg19) VCF-style: chr2-179635240-GT-G.
Other names: c.8278del, p.Thr2760fs (NM_001256850.1, NM_133378.4, NM_133379.5); c.8140del, p.Thr2714fs (NM_003319.4, NM_133432.3, NM_133437.4); short protein forms T2714fs, T2760fs.
Identifiers: ClinVar variation 3757530 (VCV003757530.2).